The following is an entry in ClinVar:

NM_152419.3(HGSNAT):c.1170del (p.Trp390fs)

Gene: HGSNAT (heparan-alpha-glucosaminide N-acetyltransferase; plus strand). Cytogenetic location: 8p11.21.
Variant type: Deletion.
Coding change: c.1170del on transcript NM_152419.3 (MANE Select); coding-DNA position 1170, one base deleted (G; older notation c.1170delG).
Protein change: p.Trp390fs; shifts the reading frame from tryptophan 390.
Molecular consequence: frameshift variant.
Genome position (GRCh38, 1-based): chr8:43,191,515, G deleted; the last of 2 consecutive G bases (chr8:43,191,514-43,191,515); deleting either gives the same sequence. VCF-style (leftmost placement, unchanged base first): chr8-43191513-TG-T. GRCh37 (hg19) VCF-style: chr8-43046656-TG-T.
Other names: c.1170del, p.Trp390fs (NM_001363227.2); c.978del, p.Trp326fs (NM_001363228.2); c.306del, p.Trp102fs (NM_001363229.2); c.1170delG (NM_152419.2); short protein forms W390fs, W102fs, W326fs.
Identifiers: ClinVar variation 558991 (VCV000558991.15), dbSNP rs748387885, ClinGen allele CA4736799.

ClinVar aggregate classification (germline): Pathogenic/Likely pathogenic. Review status: criteria provided, multiple submitters, no conflicts (2 of 4 stars). 7 submissions from 7 submitters: Pathogenic (3); Likely pathogenic (3). 1 of the submissions does not count toward it. Last evaluated 2025-08-24.

Conditions:
Mucopolysaccharidosis, MPS-III-C (MPS3C). Also called: MPS IIIC (Sanfilippo Syndrome Type C); MPS III C; MUCOPOLYSACCHARIDOSIS, TYPE IIIC; SANFILIPPO SYNDROME C; Mucopolysaccharidosis type IIIC (Sanfilippo C); mucopolysaccharidosis type 3C. Identifiers: Orphanet 581, Orphanet 79271, MedGen C0086649, MONDO:0009657, OMIM 252930.
HGSNAT-related disorders.
Retinitis pigmentosa 73 (RP73). Identifiers: Orphanet 791, MedGen C4225287, MONDO:0014687, OMIM 616544.

Submissions (7):

Natera, Inc.
Classification: Likely pathogenic for Mucopolysaccharidosis type IIIC. Last evaluated: 2025-08-24. Review status: criteria provided, single submitter. Criteria: Natera Variant Classification Schema (03/2026). Collection method: clinical testing. Allele origin: germline.
Comment: The c.1170delG variant in HGSNAT is a frameshift variant predicted to shift the reading frame beginning at codon 390 and leads to a stop codon 17 codons downstream. This variant is expected to result in nonsense mediated decay, truncation, or a dysfunctional protein product. This variant is rare in the general population with a frequency below the threshold expected for the associated phenotype(s). Given the available evidence, this variant is classified as Likely Pathogenic.

Labcorp Genetics (formerly Invitae), Labcorp
Classification: Pathogenic for Retinitis pigmentosa 73; Mucopolysaccharidosis, MPS-III-C. Last evaluated: 2025-08-04. Review status: criteria provided, single submitter. Criteria: Invitae Variant Classification Sherloc (09022015). Collection method: clinical testing. Allele origin: germline.
Comment: This sequence change creates a premature translational stop signal (p.Trp390Cysfs*17) in the HGSNAT gene. It is expected to result in an absent or disrupted protein product. Loss-of-function variants in HGSNAT are known to be pathogenic (PMID: 17033958, 19479962, 25859010). This variant is present in population databases (rs748387885, gnomAD 0.008%). This variant has not been reported in the literature in individuals affected with HGSNAT-related conditions. ClinVar contains an entry for this variant (Variation ID: 558991). For these reasons, this variant has been classified as Pathogenic.

Dasa
Classification: Pathogenic. Last evaluated: 2024-06-12. Review status: criteria provided, single submitter. Criteria: DASA Assertion Criteria. Collection method: clinical testing. Allele origin: germline.
Comment: NM_152419.3(HGSNAT):c.1170del (p.Trp390Cysfs*17) introduces a premature termination codon predicted to result in loss of normal protein function. Loss-of-function is an established mechanism of disease for this gene. Multiple computational predictions support a deleterious effect on the gene or gene product. The variant is present at low frequency in population datasets. Based on the available data, this variant is classified as pathogenic.

Fulgent Genetics
Classification: Likely pathogenic for Mucopolysaccharidosis, MPS-III-C; Retinitis pigmentosa 73. Last evaluated: 2024-06-01. Review status: criteria provided, single submitter. Criteria: ACMG Guidelines, 2015. Collection method: clinical testing. Allele origin: germline.

GeneDx
Classification: Pathogenic. Last evaluated: 2023-09-23. Review status: criteria provided, single submitter. Criteria: GeneDx Variant Classification Process June 2021. Collection method: clinical testing. Allele origin: germline. Affected: yes.
Comment: Frameshift variant predicted to result in protein truncation or nonsense mediated decay in a gene for which loss-of-function is a known mechanism of disease; Not observed at significant frequency in large population cohorts (gnomAD); Reported previously in an unaffected carrier; however, no further information was provided (Hanany M et al., 2020); This variant is associated with the following publications: (PMID: 31964843)

Blueprint Genetics
Classification: Likely pathogenic for HGSNAT-related disorders. Last evaluated: 2023-03-21. Review status: criteria provided, single submitter. Criteria: ACMG Guidelines, 2015. Collection method: clinical testing. Allele origin: germline. Affected: yes. Observed: 1 variant allele.

Mayo Clinic Laboratories, Mayo Clinic
Classification: Likely pathogenic. Last evaluated: 2017-09-20. Review status: no assertion criteria provided. Collection method: clinical testing. Allele origin: unknown. Not counted in ClinVar's aggregate classification.

Literature cited by the submitters: PubMed 17033958 (cited by Labcorp Genetics (formerly Invitae), Labcorp); PubMed 19479962 (cited by Labcorp Genetics (formerly Invitae), Labcorp); PubMed 25859010 (cited by Labcorp Genetics (formerly Invitae), Labcorp).